The following is an entry in ClinVar:

NM_000371.4(TTR):c.65C>T (p.Pro22Leu)

Gene: TTR (transthyretin; plus strand). Cytogenetic location: 18q12.1.
Variant type: single nucleotide variant.
Coding change: c.65C>T on transcript NM_000371.4 (MANE Select); coding-DNA position 65, C replaced by T.
Protein change: p.Pro22Leu; replaces proline 22 with leucine.
Molecular consequence: missense variant.
Genome position (GRCh38, 1-based): chr18:31,591,967, C>T. VCF-style: chr18-31591967-C-T. GRCh37 (hg19) VCF-style: chr18-29171930-C-T.
Other names: short protein forms P22L.
Identifiers: ClinVar variation 1488408 (VCV001488408.10), dbSNP rs1215630426, ClinGen allele CA402156368.
Genomic context (GRCh38, chr18:31,591,967, plus strand): 5'-CTTCTCATCGTCTGCTCCTCCTCTGCCTTGCTGGACTGGTATTTGTGTCTGAGGCTGGCC[C>T]TACGGTGAGTGTTTCTGTGACATCCCATTCCTACATTTAAGATTCACGCTAAATGAAGTA-3'
Protein context (NP_000362.1, residues 12-32): AGLVFVSEAG[Pro22Leu]TGTGESKCPL

ClinVar aggregate classification (germline): Uncertain significance. Review status: criteria provided, multiple submitters, no conflicts (2 of 4 stars). 2 submissions from 2 submitters: Uncertain significance (2). Last evaluated 2025-10-23.

Conditions:
Amyloidosis, hereditary systemic 1 (AMYLD1). Also called: Hereditary oculoleptomeningeal amyloid angiopathy; Familial Transthyretin Amyloidosis; Familial amyloid polyneuropathy; Transthyretin Amyloidosis; AMYLOID CARDIOMYOPATHY; Hereditary Transthyretin Amyloidosis. Identifiers: Orphanet 85447, Orphanet 85451, MedGen C2751492, MONDO:0971004, OMIM 105210.
Cardiovascular phenotype. Identifiers: MedGen CN230736.

Allele frequency attached by ClinVar (database versions not stated): gnomAD 0.00001.
gnomAD v4.1: 2 of 1,614,004 alleles (0.00012%); highest among the groups gnomAD compares: African/African-American, 0.0027%; no homozygotes.

Submissions (2):

Labcorp Genetics (formerly Invitae), Labcorp
Classification: Uncertain significance for Amyloidosis, hereditary systemic 1. Last evaluated: 2025-10-23. Review status: criteria provided, single submitter. Criteria: Invitae Variant Classification Sherloc (09022015). Collection method: clinical testing. Allele origin: germline.
Comment: This sequence change replaces proline, which is neutral and non-polar, with leucine, which is neutral and non-polar, at codon 22 of the TTR protein (p.Pro22Leu). This variant is present in population databases (no rsID available, gnomAD 0.01%). This variant has not been reported in the literature in individuals affected with TTR-related conditions. ClinVar contains an entry for this variant (Variation ID: 1488408). An algorithm developed to predict the effect of missense changes on protein structure and function outputs the following: PolyPhen-2: "Benign". The leucine amino acid residue is found in multiple mammalian species, which suggests that this missense change does not adversely affect protein function. In summary, the available evidence is currently insufficient to determine the role of this variant in disease. Therefore, it has been classified as a Variant of Uncertain Significance.

Ambry Genetics
Classification: Uncertain significance for Cardiovascular phenotype. Last evaluated: 2022-02-24. Review status: criteria provided, single submitter. Criteria: Ambry Variant Classification Scheme 2023. Collection method: clinical testing. Allele origin: germline.
Comment: The p.P22L variant (also known as c.65C>T), located in coding exon 1 of the TTR gene, results from a C to T substitution at nucleotide position 65. The proline at codon 22 is replaced by leucine, an amino acid with similar properties. This amino acid position is not well conserved in available vertebrate species. In addition, the in silico prediction for this alteration is inconclusive. Since supporting evidence is limited at this time, the clinical significance of this alteration remains unclear.